The following is an entry in ClinVar:

NM_182961.4(SYNE1):c.11330A>T (p.Tyr3777Phe)

Gene: SYNE1 (spectrin repeat containing nuclear envelope protein 1; minus strand). Cytogenetic location: 6q25.2.
Variant type: single nucleotide variant.
Coding change: c.11330A>T on transcript NM_182961.4 (MANE Select); coding-DNA position 11330, A replaced by T.
Protein change: p.Tyr3777Phe; replaces tyrosine 3777 with phenylalanine.
Molecular consequence: missense variant.
Genome position (GRCh38, 1-based): chr6:152,352,277, T>A on the plus strand (A>T on the coding strand, the complement: SYNE1 is on the minus strand). VCF-style: chr6-152352277-T-A. GRCh37 (hg19) VCF-style: chr6-152673412-T-A.
Other names: c.11285A>T, p.Tyr3762Phe (NM_033071.5); short protein forms Y3762F, Y3777F.
Identifiers: ClinVar variation 4682273 (VCV004682273.1).

ClinVar aggregate classification (germline): Uncertain significance (1 of 4 stars; one submission).

gnomAD v4.1: 9 of 1,614,036 alleles (0.00056%); highest among the groups gnomAD compares: African/African-American, 0.0013%; no homozygotes.

Submission:

Athena Diagnostics
Classification: Uncertain significance. Last evaluated: 2025-05-30. Review status: criteria provided, single submitter. Criteria: Athena Diagnostics Criteria. Collection method: clinical testing. Allele origin: unknown.
Comment: Available data are insufficient to determine the clinical significance of the variant at this time. The frequency of this variant in the general population is uninformative in assessment of its pathogenicity. Polyphen and MutationTaster predict this amino acid change may be benign.